The following is an entry in ClinVar:

NM_006486.3(FBLN1):c.1991G>A (p.Arg664Gln)

Gene: FBLN1 (fibulin 1; plus strand). Cytogenetic location: 22q13.31.
Variant type: single nucleotide variant.
Coding change: c.1991G>A on transcript NM_006486.3 (MANE Select); coding-DNA position 1991, G replaced by A.
Protein change: p.Arg664Gln; replaces arginine 664 with glutamine.
Molecular consequence: missense variant.
Genome position (GRCh38, 1-based): chr22:45,600,325, G>A. VCF-style: chr22-45600325-G-A. GRCh37 (hg19) VCF-style: chr22-45996205-G-A.
Other names: short protein forms R664Q.
Identifiers: ClinVar variation 692302 (VCV000692302.4), dbSNP rs770004900, ClinGen allele CA10287372.

ClinVar aggregate classification (germline): Uncertain significance. Review status: criteria provided, multiple submitters, no conflicts (2 of 4 stars). 2 submissions from 2 submitters: Uncertain significance (2). Last evaluated 2026-01-07.

Conditions:
Arthrogryposis multiplex congenita (AMC). Also called: Guérin-Stern syndrome; Congenital multiple arthrogryposis; Fibrous ankylosis of multiple joints; Congenital arthromyodysplasia; Myodystrophia fetalis deformans; Otto syndrome. Identifiers: Orphanet 1037, MedGen C5779613, MeSH D001176, MONDO:0015168, HP:0002804.
Fetal akinesia deformation sequence 1 (FADS1). Also called: Fetal akinesia sequence; Pena-Shokeir syndrome type I. Identifiers: Orphanet 994, MedGen C1276035, MONDO:0100101, OMIM 208150, HP:0001989.

Allele frequency attached by ClinVar (database versions not stated): gnomAD exomes 0.00001; TOPMed below 0.00001; ExAC 0.00001; gnomAD 0.00001.
gnomAD v4.1: 10 of 1,614,144 alleles (0.00062%); highest among the groups gnomAD compares: African/African-American, 0.0013%; no homozygotes.

Submissions (2):

Labcorp Genetics (formerly Invitae), Labcorp
Classification: Uncertain significance. Last evaluated: 2026-01-07. Review status: criteria provided, single submitter. Criteria: Invitae Variant Classification Sherloc (09022015). Collection method: clinical testing. Allele origin: germline.
Comment: This sequence change replaces arginine, which is basic and polar, with glutamine, which is neutral and polar, at codon 664 of the FBLN1 protein (p.Arg664Gln). This variant is present in population databases (rs770004900, gnomAD 0.002%). This variant has not been reported in the literature in individuals affected with FBLN1-related conditions. ClinVar contains an entry for this variant (Variation ID: 692302). An algorithm developed to predict the effect of missense changes on protein structure and function (PolyPhen-2) suggests that this variant is likely to be disruptive. In summary, the available evidence is currently insufficient to determine the role of this variant in disease. Therefore, it has been classified as a Variant of Uncertain Significance.

Cirak Lab, University Hospital Cologne
Classification: Uncertain significance for Arthrogryposis multiplex congenita; Fetal akinesia sequence. Last evaluated: 2019-06-28. Review status: criteria provided, single submitter. Criteria: ACMG Guidelines, 2015. Collection method: research. Allele origin: unknown. Affected: yes. Observed: 1 variant allele.

Literature cited by the submitters: PubMed 31680123 (cited by Cirak Lab, University Hospital Cologne).